The following is an entry in ClinVar:

ClinVar aggregate classification (germline): Benign/Likely benign. Review status: criteria provided, multiple submitters, no conflicts (2 of 4 stars). 8 submissions from 8 submitters: Benign (3); Likely benign (4). 1 of the submissions does not count toward it. Last evaluated 2026-07-15.

Conditions:
SMARCA4-related disorder. Also called: SMARCA4-related condition.
Rhabdoid tumor predisposition syndrome 2 (RTPS2). Identifiers: Orphanet 231108, Orphanet 69077, MedGen C2750074, MONDO:0013224, OMIM 613325.
Hereditary cancer-predisposing syndrome. Also called: Hereditary Cancer Syndrome; Hereditary neoplastic syndrome; Neoplastic Syndromes, Hereditary; Tumor predisposition. Identifiers: Orphanet 140162, MedGen C0027672, MeSH D009386, MONDO:0015356.

Allele frequency attached by ClinVar (database versions not stated): 1000 Genomes Project 30x 0.00016; ESP Exome Variant Server 0.00023; 1000 Genomes Project 0.00020; gnomAD 0.00029 and 0.00027; TOPMed 0.00031.
gnomAD v4.1: 87 of 1,613,812 alleles (0.0054%); highest among the groups gnomAD compares: African/African-American, 0.083%; no homozygotes.

Submissions (8):

Myriad Genetics, Inc.
Classification: Benign for Rhabdoid tumor predisposition syndrome 2. Last evaluated: 2026-07-15. Review status: criteria provided, single submitter. Criteria: Myriad Autosomal Dominant, Autosomal Recessive and X-Linked Classification Criteria (2023). Collection method: clinical testing. Allele origin: unknown.
Comment: This variant is considered benign. This variant is a silent/synonymous amino acid change and it is not expected to impact splicing.

Labcorp Genetics (formerly Invitae), Labcorp
Classification: Likely benign for Rhabdoid tumor predisposition syndrome 2. Last evaluated: 2026-01-27. Review status: criteria provided, single submitter. Criteria: Invitae Variant Classification Sherloc (09022015). Collection method: clinical testing. Allele origin: germline.

CeGaT Center for Human Genetics Tuebingen
Classification: Likely benign. Last evaluated: 2024-07-01. Review status: criteria provided, single submitter. Criteria: CeGaT Center For Human Genetics Tuebingen Variant Classification Criteria Version 2. Collection method: clinical testing. Allele origin: germline. Affected: yes. Observed: 1 variant allele.
Comment: SMARCA4: BP4, BP7

Quest Diagnostics Nichols Institute San Juan Capistrano
Classification: Benign. Last evaluated: 2022-12-06. Review status: criteria provided, single submitter. Criteria: Quest Diagnostics criteria. Collection method: clinical testing. Allele origin: unknown.

GeneDx
Classification: Likely benign. Last evaluated: 2020-12-07. Review status: criteria provided, single submitter. Criteria: GeneDx Variant Classification Process June 2021. Collection method: clinical testing. Allele origin: germline. Affected: yes.

Sema4
Classification: Benign for Hereditary cancer-predisposing syndrome. Last evaluated: 2020-10-21. Review status: criteria provided, single submitter. Criteria: Sema4 Curation Guidelines. Collection method: curation. Allele origin: germline.

Ambry Genetics
Classification: Likely benign for Hereditary cancer-predisposing syndrome. Last evaluated: 2015-09-13. Review status: criteria provided, single submitter. Criteria: Ambry Variant Classification Scheme 2023. Collection method: clinical testing. Allele origin: germline.

PreventionGenetics, part of Exact Sciences
Classification: Likely benign for SMARCA4-related condition. Last evaluated: 2020-01-23. Review status: no assertion criteria provided. Collection method: clinical testing. Allele origin: germline. Not counted in ClinVar's aggregate classification.
Comment: This variant is classified as likely benign based on ACMG/AMP sequence variant interpretation guidelines (Richards et al. 2015 PMID: 25741868, with internal and published modifications).

NM_003072.5(SMARCA4):c.3903C>T (p.Thr1301=)

Gene: SMARCA4 (SWI/SNF related BAF chromatin remodeling complex subunit ATPase 4; plus strand). Cytogenetic location: 19p13.2.
Variant type: single nucleotide variant.
Coding change: c.3903C>T on transcript NM_003072.5 (MANE Select); coding-DNA position 3903, C replaced by T.
Protein change: p.Thr1301=; no amino-acid change (threonine 1301 retained).
Molecular consequence: synonymous variant. On other transcripts: non-coding transcript variant (1).
Genome position (GRCh38, 1-based): chr19:11,034,152, C>T. VCF-style: chr19-11034152-C-T. GRCh37 (hg19) VCF-style: chr19-11144828-C-T.
Other names: c.3903C>T, p.Thr1301= (NM_001128844.3, NM_001128849.3, NM_001387283.1); c.3804C>T, p.Thr1268= (NM_001128845.2, NM_001128846.2, NM_001128847.4 and 2 more transcripts).
Identifiers: ClinVar variation 415107 (VCV000415107.37), dbSNP rs147314370, ClinGen allele CA9204561.